The following is an entry in ClinVar:

ClinVar aggregate classification (germline): Conflicting classifications of pathogenicity. Review status: criteria provided, conflicting classifications (1 of 4 stars). 3 submissions from 3 submitters: Likely pathogenic (2); Uncertain significance (1). Last evaluated 2025-10-23.

Conditions:
Telangiectasia, hereditary hemorrhagic, type 1 (HHT1). Also called: Osler Weber Rendu syndrome type 1; ENG-Related Hereditary Hemorrhagic Telangiectasia. Identifiers: Orphanet 774, MedGen C4551861, MONDO:0008535, OMIM 187300. Disease mechanism: loss of function.
Hereditary hemorrhagic telangiectasia (HHT). Also called: ORW DISEASE; Osler Weber Rendu syndrome; OSLER-RENDU-WEBER DISEASE; Osler hemorrhagic telangiectasia syndrome. Identifiers: Orphanet 774, MedGen C0039445, MONDO:0019180. Disease mechanism: loss of function.

Allele frequency attached by ClinVar (database versions not stated): gnomAD exomes 0.00001; TOPMed below 0.00001; gnomAD 0.00001.
gnomAD v4.1: 9 of 1,613,048 alleles (0.00056%); highest among the groups gnomAD compares: Admixed American, 0.0017%; no homozygotes.

Submissions (3):

Labcorp Genetics (formerly Invitae), Labcorp
Classification: Likely pathogenic for Hereditary hemorrhagic telangiectasia. Last evaluated: 2025-10-23. Review status: criteria provided, single submitter. Criteria: Invitae Variant Classification Sherloc (09022015). Collection method: clinical testing. Allele origin: germline.
Comment: This sequence change replaces arginine, which is basic and polar, with glutamine, which is neutral and polar, at codon 437 of the ENG protein (p.Arg437Gln). The frequency data for this variant in the population databases is considered unreliable, as metrics indicate poor data quality at this position in the gnomAD database. This missense change has been observed in individual(s) with hereditary hemorrhagic telangiectasia (PMID: 21158752, 25970827, 30946035; internal data). ClinVar contains an entry for this variant (Variation ID: 2699356). An algorithm developed to predict the effect of missense changes on protein structure and function outputs the following: PolyPhen-2: "Benign". The glutamine amino acid residue is found in multiple mammalian species, which suggests that this missense change does not adversely affect protein function. This variant disrupts the p.Arg437 amino acid residue in ENG. Other variant(s) that disrupt this residue have been determined to be pathogenic (PMID: 16752392, 21158752, 23535011; internal data). This suggests that this residue is clinically significant, and that variants that disrupt this residue are likely to be disease-causing. In summary, the currently available evidence indicates that the variant is pathogenic, but additional data are needed to prove that conclusively. Therefore, this variant has been classified as Likely Pathogenic.

GeneDx
Classification: Uncertain significance. Last evaluated: 2025-09-10. Review status: criteria provided, single submitter. Criteria: GeneDx Variant Classification Process June 2021. Collection method: clinical testing. Allele origin: germline. Affected: yes.
Comment: Identified in patients with HHT referred for genetic testing at GeneDx and in published literature (PMID: 21158752, 30946035, 25970827); Not observed at significant frequency in large population cohorts (gnomAD); In silico analysis suggests that this missense variant does not alter protein structure/function; This variant is associated with the following publications: (PMID: 21158752, 25970827, 30279913, 30946035)

Victorian Clinical Genetics Services, Murdoch Childrens Research Institute
Classification: Likely pathogenic for Telangiectasia, hereditary hemorrhagic, type 1. Last evaluated: 2024-09-25. Review status: criteria provided, single submitter. Criteria: ACMG Guidelines, 2015. Collection method: clinical testing. Allele origin: germline. Affected: yes.
Comment: Evidence in support of pathogenic classification: - Variant is present in gnomAD <0.001 for a dominant condition (v4: 9 heterozygotes, 0 homozygotes). - This variant has strong previous evidence of pathogenicity in unrelated individuals. This variant has been reported once as likely pathogenic and once as a VUS in ClinVar and reported in multiple individuals with hereditary hemorrhagic telangiectasia (ClinVar, PMIDs: 25970827, 30946035, 21158752, 24001356) Evidence in support of benign classification: - Same amino acid change has been observed in placental mammals. Additional information: - Variant is predicted to result in a missense amino acid change from arginine to glutamine. - This variant is heterozygous. - This gene is associated with autosomal dominant disease. - Multiple alternative amino acid changes at the same position have been observed in gnomAD (v4 highest allele count: 7 heterozygotes, 0 homozygotes). - No published functional evidence has been identified for this variant. - No comparable missense variants have previous evidence for pathogenicity. Other variants at this amino acid position (p.(Arg437Gly), p.(Arg437Trp), p.(Arg437Pro)) have been reported as pathogenic or likely pathogenic, however, these variants result in major amino acid changes and are not considered comparable to this variant, which results in a minor amino acid change. - Variant is located in the annotated ZP domain (UniProt) - Loss of function is a known mechanism of disease in this gene and is associated with hereditary haemorrhagic telangiectasia, type 1 (MIM#187300). - The condition associated with this gene has incomplete penetrance. Age dependant penetrance has been reported with the presence of one clinical manifestation approaching 100% by age 35 (ClinGen HHT expert panel). - Variants in this gene are known to have variable expressivity. Clinical expression is highly variable with many affected individuals remaining undiagnosed (ClinGen HHT expert panel). - Inheritance information for this variant is not currently available in this individual.

Literature cited by the submitters: PubMed 21158752 (cited by Labcorp Genetics (formerly Invitae), Labcorp and Victorian Clinical Genetics Services, Murdoch Childrens Research Institute); PubMed 25970827 (cited by Labcorp Genetics (formerly Invitae), Labcorp and Victorian Clinical Genetics Services, Murdoch Childrens Research Institute); PubMed 30946035 (cited by Labcorp Genetics (formerly Invitae), Labcorp and Victorian Clinical Genetics Services, Murdoch Childrens Research Institute); PubMed 16752392 (cited by Labcorp Genetics (formerly Invitae), Labcorp); PubMed 23535011 (cited by Labcorp Genetics (formerly Invitae), Labcorp); PubMed 24001356 (cited by Victorian Clinical Genetics Services, Murdoch Childrens Research Institute).

NM_001114753.3(ENG):c.1310G>A (p.Arg437Gln)

Genes: ENG (endoglin; minus strand), LOC102723566 (uncharacterized LOC102723566; plus strand). Cytogenetic location: 9q34.11.
Variant type: single nucleotide variant.
Coding change: c.1310G>A on transcript NM_001114753.3 (MANE Select); coding-DNA position 1310, G replaced by A.
Protein change: p.Arg437Gln; replaces arginine 437 with glutamine.
Molecular consequence: missense variant.
Genome position (GRCh38, 1-based): chr9:127,819,623, C>T on the plus strand (G>A on the coding strand, the complement: ENG is on the minus strand). VCF-style: chr9-127819623-C-T. GRCh37 (hg19) VCF-style: chr9-130581902-C-T.
Other names: c.1310G>A, p.Arg437Gln (NM_000118.4); c.764G>A, p.Arg255Gln (NM_001278138.2); c.1310G>A (NM_000118.2); short protein forms R255Q, R437Q.
Identifiers: ClinVar variation 2699356 (VCV002699356.6), dbSNP rs989537576, ClinGen allele CA200305378.